The following is an entry in ClinVar:

NM_007294.4(BRCA1):c.5215_5216del (p.Asp1739fs)

Gene: BRCA1 (BRCA1 DNA repair associated; minus strand). Cytogenetic location: 17q21.31.
Variant type: Microsatellite.
Coding change: c.5215_5216del on transcript NM_007294.4 (MANE Select); coding-DNA positions 5215 to 5216, 2 bases deleted (GA; older notation c.5215_5216delGA).
Protein change: p.Asp1739fs; shifts the reading frame from aspartic acid 1739.
Molecular consequence: frameshift variant. On other transcripts: non-coding transcript variant (1).
Genome position (GRCh38, 1-based): chr17:43,057,113-43,057,114, TC deleted on the plus strand (GA on the coding strand, the reverse complement: BRCA1 is on the minus strand); deleting any 2 consecutive bases within chr17:43,057,113-43,057,116 gives the same sequence; the c. name uses the placement nearest the transcript's 3' end. VCF-style (leftmost placement, unchanged base first): chr17-43057112-ATC-A. GRCh37 (hg19) VCF-style: chr17-41209129-ATC-A.
Other names: c.5215_5216delGA (NM_007294.3); c.5066_5067GA[1], p.Asp1690Cysfs (NM_001407853.1, NM_001407838.1, NM_001407839.1 and 12 more transcripts); c.5213_5214GA[1], p.Asp1739Cysfs (NM_001407854.1, NM_001407593.1, NM_001407594.1 and 7 more transcripts); c.5210_5211GA[1], p.Asp1738Cysfs (NM_001407858.1, NM_001407859.1, NM_001407860.1 and 17 more transcripts); c.5207_5208GA[1], p.Asp1737Cysfs (NM_001407861.1, NM_001407627.1, NM_001407628.1 and 14 more transcripts); c.5012_5013GA[1], p.Asp1672Cysfs (NM_001407862.1); c.5009_5010GA[1], p.Asp1671Cysfs (NM_001407863.1); c.5006_5007GA[1], p.Asp1670Cysfs (NM_001407874.1, NM_001407875.1); and 76 more; short protein forms D635fs, D1692fs, D1739fs, D1760fs.
Identifiers: ClinVar variation 420420 (VCV000420420.3), dbSNP rs1064794467, ClinGen allele CA16620421.
Genomic context (GRCh38, chr17:43,057,112, plus strand): 5'-CTTTCTGTCCTGGGATTCTCTTGCTCGCTTTGGACCTTGGTGGTTTCTTCCATTGACCAC[ATC>A]TCCTCTGACTTCAAAATCATGCTGAAAGAAACCAAACACAACCCATCAGGATAAGAGAAA-3'

ClinVar aggregate classification (germline): Pathogenic. Review status: reviewed by expert panel (3 of 4 stars). 2 submissions from 2 submitters: Pathogenic (1). 1 of the submissions does not count toward it. Last evaluated 2017-12-15.

Conditions:
Breast-ovarian cancer, familial, susceptibility to, 1 (BROVCA1). Also called: BRCA1 Hereditary Breast and Ovarian Cancer; OVARIAN CANCER, SUSCEPTIBILITY TO. Identifiers: Orphanet 145, MedGen C2676676, MONDO:0011450, OMIM 604370. Disease mechanism: loss of function.

Submissions (2):

Evidence-based Network for the Interpretation of Germline Mutant Alleles (ENIGMA)
Classification: Pathogenic for Breast-ovarian cancer, familial, susceptibility to, 1. Last evaluated: 2017-12-15. Review status: reviewed by expert panel. Criteria: ENIGMA BRCA1/2 Classification Criteria (2017-06-29). Collection method: curation. Allele origin: germline. Study: ENIGMA.
Comment: Variant allele predicted to encode a truncated non-functional protein.

GeneDx
Classification: Pathogenic. Last evaluated: 2016-01-26. Review status: criteria provided, single submitter. Criteria: GeneDx Variant Classification (06012015). Collection method: clinical testing. Allele origin: germline. Affected: yes. Not counted in ClinVar's aggregate classification.
Comment: This deletion of 2 nucleotides in BRCA1 is denoted c.5215_5216delGA at the cDNA level and p.Asp1739CysfsX90 (D1739CfsX90) at the protein level. The normal sequence, with the bases that are deleted in braces, is AGGA[GA]TGTG. Using alternate nomenclature, this variant would be defined as BRCA1 5334delGA. The deletion causes a frameshift, which changes an Aspartic Acid to a Cysteine at codon 1739, and creates a premature stop codon at position 90 of the new reading frame. Although this variant has not, to our knowledge, been reported in the literature, it is predicted to cause loss of normal protein function through either protein truncation or nonsense-mediated mRNA decay. We consider this variant to be pathogenic.